The following is an entry in ClinVar:

NM_000268.4(NF2):c.1450A>G (p.Met484Val)

Gene: NF2 (NF2, moesin-ezrin-radixin like (MERLIN) tumor suppressor; plus strand). Cytogenetic location: 22q12.2.
Variant type: single nucleotide variant.
Coding change: c.1450A>G on transcript NM_000268.4 (MANE Select); coding-DNA position 1450, A replaced by G.
Protein change: p.Met484Val; replaces methionine 484 with valine.
Molecular consequence: missense variant. On other transcripts: non-coding transcript variant (1), intron variant (1).
Genome position (GRCh38, 1-based): chr22:29,678,199, A>G. VCF-style: chr22-29678199-A-G. GRCh37 (hg19) VCF-style: chr22-30074188-A-G.
Other names: c.1450A>G, p.Met484Val (NM_016418.5, NM_181825.3, NM_181832.3); c.1324A>G, p.Met442Val (NM_181828.3); c.1327A>G, p.Met443Val (NM_181829.3); c.1201A>G, p.Met401Val (NM_181830.3, NM_181831.3); c.448-16553A>G (NM_181833.3); short protein forms M484V, M442V, M443V, M401V.
Identifiers: ClinVar variation 527699 (VCV000527699.15), dbSNP rs1182896077, ClinGen allele CA411149540.
Genomic context (GRCh38, chr22:29,678,199, plus strand): 5'-AGTGTCCTTCTGTGCTTGTATGACCCAAGCTCCTAATCCGAAATTTCTCATTAACAGCCC[A>G]TGAACCCAATTCCAGCACCGTTGCCTCCTGACATACCAAGCTTCAACCTCATTGGTGACA-3'
Protein context (NP_000259.1, residues 474-494): EIATKPTYPP[Met484Val]NPIPAPLPPD

ClinVar aggregate classification (germline): Conflicting classifications of pathogenicity. Review status: criteria provided, conflicting classifications (1 of 4 stars). 5 submissions from 5 submitters: Uncertain significance (3); Benign (2). Last evaluated 2025-09-10.

Conditions:
Hereditary cancer-predisposing syndrome. Also called: Tumor predisposition; Hereditary neoplastic syndrome; Neoplastic Syndromes, Hereditary; Hereditary Cancer Syndrome. Identifiers: Orphanet 140162, MedGen C0027672, MeSH D009386, MONDO:0015356.
Neurofibromatosis, type 2 (SWNV). Also called: NF2-Related Schwannomatosis; BILATERAL ACOUSTIC NEUROFIBROMATOSIS; SCHWANNOMATOSIS, VESTIBULAR. Identifiers: Orphanet 637, MedGen C0027832, MONDO:0007039, OMIM 101000. Disease mechanism: loss of function.

Allele frequency attached by ClinVar (database versions not stated): gnomAD exomes below 0.00001 and 0.00001.
gnomAD v4.1: 3 of 1,614,064 alleles (0.00019%); highest among the groups gnomAD compares: African/African-American, 0.004%; no homozygotes.

Submissions (5):

Color Diagnostics, LLC DBA Color Health
Classification: Benign for Neurofibromatosis, type 2. Last evaluated: 2025-09-10. Review status: criteria provided, single submitter. Criteria: ACMG Guidelines, 2015. Collection method: clinical testing. Allele origin: germline.

Labcorp Genetics (formerly Invitae), Labcorp
Classification: Uncertain significance for Neurofibromatosis, type 2. Last evaluated: 2025-03-15. Review status: criteria provided, single submitter. Criteria: Invitae Variant Classification Sherloc (09022015). Collection method: clinical testing. Allele origin: germline.
Comment: This sequence change replaces methionine, which is neutral and non-polar, with valine, which is neutral and non-polar, at codon 484 of the NF2 protein (p.Met484Val). This variant is present in population databases (no rsID available, gnomAD 0.01%). This variant has not been reported in the literature in individuals affected with NF2-related conditions. ClinVar contains an entry for this variant (Variation ID: 527699). Invitae Evidence Modeling of protein sequence and biophysical properties (such as structural, functional, and spatial information, amino acid conservation, physicochemical variation, residue mobility, and thermodynamic stability) indicates that this missense variant is not expected to disrupt NF2 protein function with a negative predictive value of 80%. In summary, the available evidence is currently insufficient to determine the role of this variant in disease. Therefore, it has been classified as a Variant of Uncertain Significance.

All of Us Research Program, National Institutes of Health
Classification: Uncertain significance for Neurofibromatosis, type 2. Last evaluated: 2023-08-28. Review status: criteria provided, single submitter. Criteria: ACMG Guidelines, 2015. Collection method: clinical testing. Allele origin: germline. Inheritance: Autosomal dominant inheritance. Observed: 1 variant allele, 1 heterozygote.
Comment: This missense variant replaces methionine with valine at codon 484 of the NF2 protein. Computational prediction suggests that this variant may not impact protein structure and function (internally defined REVEL score threshold <= 0.5, PMID: 27666373). To our knowledge, functional studies have not been reported for this variant. This variant has not been reported in individuals affected with NF2-related disorders in the literature. This variant has been identified in 2/251496 chromosomes in the general population by the Genome Aggregation Database (gnomAD). The available evidence is insufficient to determine the role of this variant in disease conclusively. Therefore, this variant is classified as a Variant of Uncertain Significance.

This study involves interpretation of variants in research participants for the purpose of population health screening. Participant phenotype was not available at the time of variant classification. Additional details can be found in publication PMID: 35346344, PMCID: PMC8962531

Ambry Genetics
Classification: Benign for Hereditary cancer-predisposing syndrome. Last evaluated: 2022-03-21. Review status: criteria provided, single submitter. Criteria: Ambry Variant Classification Scheme 2023. Collection method: clinical testing. Allele origin: germline.

Genome-Nilou Lab
Classification: Uncertain significance for Neurofibromatosis, type 2. Last evaluated: 2021-11-07. Review status: criteria provided, single submitter. Criteria: ACMG Guidelines, 2015. Collection method: clinical testing. Allele origin: germline. Affected: no.